The following is an entry in ClinVar:

NM_000038.6(APC):c.5162G>A (p.Gly1721Asp)

Gene: APC (APC regulator of Wnt signaling pathway; plus strand). Cytogenetic location: 5q22.2.
Variant type: single nucleotide variant.
Coding change: c.5162G>A on transcript NM_000038.6 (MANE Select); coding-DNA position 5162, G replaced by A.
Protein change: p.Gly1721Asp; replaces glycine 1721 with aspartic acid.
Molecular consequence: missense variant.
Genome position (GRCh38, 1-based): chr5:112,840,756, G>A. VCF-style: chr5-112840756-G-A. GRCh37 (hg19) VCF-style: chr5-112176453-G-A.
Other names: c.5162G>A, p.Gly1721Asp (NM_001127510.3, NM_001354895.2); c.5108G>A, p.Gly1703Asp (NM_001127511.3); c.5216G>A, p.Gly1739Asp (NM_001354896.2); c.5192G>A, p.Gly1731Asp (NM_001354897.2); c.5087G>A, p.Gly1696Asp (NM_001354898.2); c.5078G>A, p.Gly1693Asp (NM_001354899.2); c.5039G>A, p.Gly1680Asp (NM_001354900.2); c.4985G>A, p.Gly1662Asp (NM_001354901.2); and 5 more; short protein forms G1703D, G1721D, G1731D, G1630D, G1739D, G1438D, G1561D, G1595D.
Identifiers: ClinVar variation 232982 (VCV000232982.19), dbSNP rs876660114, ClinGen allele CA10578397.

ClinVar aggregate classification (germline): Conflicting classifications of pathogenicity. Review status: criteria provided, conflicting classifications (1 of 4 stars). 5 submissions from 5 submitters: Uncertain significance (4); Benign (1). Last evaluated 2025-12-30.

Conditions:
Classic or attenuated familial adenomatous polyposis. Identifiers: MedGen CN372698, MONDO:0021057.
Familial adenomatous polyposis 1 (FAP1). Also called: FAMILIAL ADENOMATOUS POLYPOSIS 1, ATTENUATED; POLYPOSIS, ADENOMATOUS INTESTINAL. Identifiers: MedGen C2713442, MONDO:0021056, OMIM 175100. Disease mechanism: loss of function.
Hereditary cancer-predisposing syndrome. Also called: Neoplastic Syndromes, Hereditary; Tumor predisposition; Hereditary Cancer Syndrome; Hereditary neoplastic syndrome. Identifiers: Orphanet 140162, MedGen C0027672, MeSH D009386, MONDO:0015356.

Allele frequency attached by ClinVar (database versions not stated): gnomAD exomes 0.00001.
gnomAD v4.1: 5 of 1,614,048 alleles (0.00031%); highest among the groups gnomAD compares: Non-Finnish European, 0.00042%; no homozygotes.

Submissions (5):

Labcorp Genetics (formerly Invitae), Labcorp
Classification: Benign for Familial adenomatous polyposis 1. Last evaluated: 2025-12-30. Review status: criteria provided, single submitter. Criteria: Invitae Variant Classification Sherloc (09022015). Collection method: clinical testing. Allele origin: germline.

Color Diagnostics, LLC DBA Color Health
Classification: Uncertain significance for Hereditary cancer-predisposing syndrome. Last evaluated: 2025-07-09. Review status: criteria provided, single submitter. Criteria: ACMG Guidelines, 2015. Collection method: clinical testing. Allele origin: germline.
Comment: This missense variant replaces glycine with aspartic acid at codon 1721 of the APC protein. Computational prediction suggests that this variant may not impact protein structure and function. To our knowledge, functional studies have not been reported for this variant. This variant has not been reported in individuals affected with APC-related disorders in the literature. This variant has not been identified in the general population by the Genome Aggregation Database (gnomAD). The available evidence is insufficient to determine the role of this variant in disease conclusively. Therefore, this variant is classified as a Variant of Uncertain Significance.

Ambry Genetics
Classification: Uncertain significance for Hereditary cancer-predisposing syndrome. Last evaluated: 2025-07-05. Review status: criteria provided, single submitter. Criteria: Ambry Variant Classification Scheme 2023. Collection method: clinical testing. Allele origin: germline.
Comment: The p.G1721D variant (also known as c.5162G>A), located in coding exon 15 of the APC gene, results from a G to A substitution at nucleotide position 5162. The glycine at codon 1721 is replaced by aspartic acid, an amino acid with similar properties. This amino acid position is well conserved in available vertebrate species. In addition, in silico predictors for this gene do not accurately predict pathogenicity. Since supporting evidence is limited at this time, the clinical significance of this alteration remains unclear.

All of Us Research Program, National Institutes of Health
Classification: Uncertain significance for Classic or attenuated familial adenomatous polyposis. Last evaluated: 2024-08-06. Review status: criteria provided, single submitter. Criteria: ACMG Guidelines, 2015. Collection method: clinical testing. Allele origin: germline. Inheritance: Autosomal dominant inheritance. Observed: 1 variant allele, 1 heterozygote.
Comment: This study involves interpretation of variants in research participants for the purpose of population health screening. Participant phenotype was not available at the time of variant classification. Additional details can be found in publication PMID: 35346344, PMCID: PMC8962531

Baylor Genetics
Classification: Uncertain significance for Familial adenomatous polyposis 1. Last evaluated: 2024-03-26. Review status: criteria provided, single submitter. Criteria: ACMG Guidelines, 2015. Collection method: clinical testing. Allele origin: unknown.